The following is an entry in ClinVar:

NM_016529.6(ATP8A2):c.837T>C (p.Thr279=)

Gene: ATP8A2 (ATPase phospholipid transporting 8A2). Cytogenetic location: 13q12.13.
Variant type: single nucleotide variant.
Coding change: c.837T>C on transcript NM_016529.6 (MANE Select); coding-DNA position 837, T replaced by C.
Protein change: p.Thr279=; no amino-acid change (threonine 279 retained).
Molecular consequence: synonymous variant.
Genome position (GRCh38, 1-based): chr13:25,543,348, T>C. VCF-style: chr13-25543348-T-C. GRCh37 (hg19) VCF-style: chr13-26117486-T-C.
Other names: c.717T>C, p.Thr239= (NM_001313741.1); c.837T>C, p.Thr279= (NM_001411005.1, NM_001411006.1).
Identifiers: ClinVar variation 3389063 (VCV003389063.14).

ClinVar aggregate classification (germline): Likely benign (1 of 4 stars; one submission).

gnomAD v4.1: 17 of 1,613,508 alleles (0.0011%); highest among the groups gnomAD compares: Non-Finnish European, 0.0014%; no homozygotes.

Submission:

CeGaT Center for Human Genetics Tuebingen
Classification: Likely benign. Last evaluated: 2024-12-01. Review status: criteria provided, single submitter. Criteria: CeGaT Center For Human Genetics Tuebingen Variant Classification Criteria Version 2. Collection method: clinical testing. Allele origin: germline. Affected: yes. Observed: 1 variant allele.
Comment: ATP8A2: BP4, BP7